The following is an entry in ClinVar:

NM_001197104.2(KMT2A):c.5300G>A (p.Arg1767His)

Gene: KMT2A (lysine methyltransferase 2A; plus strand). Cytogenetic location: 11q23.3.
Variant type: single nucleotide variant.
Coding change: c.5300G>A on transcript NM_001197104.2 (MANE Select); coding-DNA position 5300, G replaced by A.
Protein change: p.Arg1767His; replaces arginine 1767 with histidine.
Molecular consequence: missense variant.
Genome position (GRCh38, 1-based): chr11:118,494,704, G>A. VCF-style: chr11-118494704-G-A. GRCh37 (hg19) VCF-style: chr11-118365419-G-A.
Other names: c.5390G>A, p.Arg1797His (NM_001412597.1); c.5291G>A, p.Arg1764His (NM_005933.4); short protein forms R1764H, R1767H, R1797H.
Identifiers: ClinVar variation 1971409 (VCV001971409.5), dbSNP rs1555043444, ClinGen allele CA382837812.

ClinVar aggregate classification (germline): Uncertain significance (1 of 4 stars; one submission).

Allele frequency attached by ClinVar (database versions not stated): gnomAD exomes 0.00001; TOPMed below 0.00001; gnomAD 0.00001.
gnomAD v4.1: 12 of 1,613,560 alleles (0.00074%); highest among the groups gnomAD compares: South Asian, 0.0099%; no homozygotes.

Submission:

Labcorp Genetics (formerly Invitae), Labcorp
Classification: Uncertain significance. Last evaluated: 2025-04-21. Review status: criteria provided, single submitter. Criteria: Invitae Variant Classification Sherloc (09022015). Collection method: clinical testing. Allele origin: germline.
Comment: This sequence change replaces arginine, which is basic and polar, with histidine, which is basic and polar, at codon 1767 of the KMT2A protein (p.Arg1767His). This variant is present in population databases (no rsID available, gnomAD 0.01%). This variant has not been reported in the literature in individuals affected with KMT2A-related conditions. ClinVar contains an entry for this variant (Variation ID: 1971409). Invitae Evidence Modeling of protein sequence and biophysical properties (such as structural, functional, and spatial information, amino acid conservation, physicochemical variation, residue mobility, and thermodynamic stability) indicates that this missense variant is not expected to disrupt KMT2A protein function with a negative predictive value of 95%. In summary, the available evidence is currently insufficient to determine the role of this variant in disease. Therefore, it has been classified as a Variant of Uncertain Significance.